The following is an entry in ClinVar:

NM_014625.4(NPHS2):c.783_788delinsA (p.Ile263fs)

Genes: AXDND1 (axonemal dynein light chain domain containing 1; plus strand), NPHS2 (NPHS2 stomatin family member, podocin; minus strand). Cytogenetic location: 1q25.2.
Variant type: Indel.
Coding change: c.783_788delinsA on transcript NM_014625.4 (MANE Select); coding-DNA positions 783 to 788, GAGAAT replaced by A.
Protein change: p.Ile263fs; shifts the reading frame from isoleucine 263.
Molecular consequence: frameshift variant. On other transcripts: intron variant (1).
Genome position (GRCh38, 1-based): chr1:179,554,482-179,554,487, ATTCTC replaced by T on the plus strand (GAGAAT replaced by A on the coding strand, the reverse complement: NPHS2 is on the minus strand). VCF-style: chr1-179554482-ATTCTC-T. GRCh37 (hg19) VCF-style: chr1-179523617-ATTCTC-T.
Other names: c.579_584delinsA, p.Ile195fs (NM_001297575.2); c.3032-30_3032-25delinsT (NM_144696.6); short protein forms I263fs, I195fs.
Identifiers: ClinVar variation 5004103 (VCV005004103.1).

ClinVar aggregate classification (germline): Pathogenic (1 of 4 stars; one submission).

Conditions:
Nephrotic syndrome, type 2 (NPHS2). Also called: NEPHROTIC SYNDROME, STEROID-RESISTANT, AUTOSOMAL RECESSIVE. Identifiers: Orphanet 656, MedGen C1868672, MONDO:0010974, OMIM 600995.

Submission:

Myriad Genetics, Inc.
Classification: Pathogenic for Nephrotic syndrome, type 2. Last evaluated: 2025-08-04. Review status: criteria provided, single submitter. Criteria: Myriad Autosomal Dominant, Autosomal Recessive and X-Linked Classification Criteria (2023). Collection method: clinical testing. Allele origin: unknown.
Comment: NM_014625.2(NPHS2):c.783_788del6ins1(I263Nfs*2) is a frameshift variant classified as pathogenic in the context of nephrotic syndrome, NPHS2-related. I263Nfs*2 has not been observed in cases with relevant disease. Relevant functional assessments of this variant are not available in the literature. I263Nfs*2 has not been observed in referenced population frequency databases. In summary, NM_014625.2(NPHS2):c.783_788del6ins1(I263Nfs*2) is a frameshift variant in a gene where loss of function is a known mechanism of disease and is predicted to disrupt protein function. Please note: this variant was assessed in the context of healthy population screening.